The following is an entry in ClinVar:

NM_002661.5(PLCG2):c.2140G>A (p.Val714Met)

Gene: PLCG2 (phospholipase C gamma 2; plus strand). Cytogenetic location: 16q23.3.
Variant type: single nucleotide variant.
Coding change: c.2140G>A on transcript NM_002661.5 (MANE Select); coding-DNA position 2140, G replaced by A.
Protein change: p.Val714Met; replaces valine 714 with methionine.
Molecular consequence: missense variant.
Genome position (GRCh38, 1-based): chr16:81,919,569, G>A. VCF-style: chr16-81919569-G-A. GRCh37 (hg19) VCF-style: chr16-81953174-G-A.
Other names: c.2140G>A (NM_002661.3); short protein forms V714M.
Identifiers: ClinVar variation 1364071 (VCV001364071.7), dbSNP rs1477576619, ClinGen allele CA396901985.

ClinVar aggregate classification (germline): Uncertain significance. Review status: criteria provided, multiple submitters, no conflicts (2 of 4 stars). 2 submissions from 2 submitters: Uncertain significance (2). Last evaluated 2024-12-23.

Conditions:
Inborn genetic diseases. Identifiers: MedGen C0950123, MeSH D030342.
Familial cold autoinflammatory syndrome 3 (FCAS3). Also called: FAMILIAL ATYPICAL COLD URTICARIA; ANTIBODY DEFICIENCY AND IMMUNE DYSREGULATION, PLCG2-ASSOCIATED. Identifiers: Orphanet 300359, MedGen C3280914, MONDO:0013766, OMIM 614468.

Allele frequency attached by ClinVar (database versions not stated): gnomAD exomes below 0.00001; gnomAD 0.00001; TOPMed 0.00001.
gnomAD v4.1: 3 of 1,614,022 alleles (0.00019%); highest among the groups gnomAD compares: Non-Finnish European, 0.00025%; no homozygotes.

Submissions (2):

Ambry Genetics
Classification: Uncertain significance for Inborn genetic diseases. Last evaluated: 2024-12-23. Review status: criteria provided, single submitter. Criteria: Ambry Variant Classification Scheme 2023. Collection method: clinical testing. Allele origin: germline.

Labcorp Genetics (formerly Invitae), Labcorp
Classification: Uncertain significance for Familial cold autoinflammatory syndrome 3. Last evaluated: 2021-09-01. Review status: criteria provided, single submitter. Criteria: Invitae Variant Classification Sherloc (09022015). Collection method: clinical testing. Allele origin: germline.
Comment: In summary, the available evidence is currently insufficient to determine the role of this variant in disease. Therefore, it has been classified as a Variant of Uncertain Significance. Algorithms developed to predict the effect of missense changes on protein structure and function are either unavailable or do not agree on the potential impact of this missense change (SIFT: "Tolerated"; PolyPhen-2: "Probably Damaging"; Align-GVGD: "Class C0"). This variant has not been reported in the literature in individuals affected with PLCG2-related conditions. This variant is not present in population databases (ExAC no frequency). This sequence change replaces valine with methionine at codon 714 of the PLCG2 protein (p.Val714Met). The valine residue is highly conserved and there is a small physicochemical difference between valine and methionine.